The following is an entry in ClinVar:

ClinVar aggregate classification (germline): Likely benign (1 of 4 stars; one submission).

Allele frequency attached by ClinVar (database versions not stated): gnomAD exomes 0.00002; gnomAD 0.00004; TOPMed 0.00006; ExAC 0.00009; 1000 Genomes Project 30x 0.00021; 1000 Genomes Project 0.00026.
gnomAD v4.1: 31 of 1,204,405 alleles (0.0026%); highest among the groups gnomAD compares: East Asian, 0.065%; no homozygotes.

Submission:

CeGaT Center for Human Genetics Tuebingen
Classification: Likely benign. Last evaluated: 2023-03-01. Review status: criteria provided, single submitter. Criteria: CeGaT Center For Human Genetics Tuebingen Variant Classification Criteria Version 2. Collection method: clinical testing. Allele origin: germline. Affected: yes. Observed: 1 variant allele.
Comment: DIAPH2: PP3, BS2

NM_006729.5(DIAPH2):c.515C>T (p.Ser172Leu)

Gene: DIAPH2 (diaphanous related formin 2; plus strand). Cytogenetic location: Xq21.33.
Variant type: single nucleotide variant.
Coding change: c.515C>T on transcript NM_006729.5 (MANE Select); coding-DNA position 515, C replaced by T.
Protein change: p.Ser172Leu; replaces serine 172 with leucine.
Molecular consequence: missense variant.
Genome position (GRCh38, 1-based): chrX:96,881,646, C>T. VCF-style: chrX-96881646-C-T. GRCh37 (hg19) VCF-style: chrX-96136645-C-T.
Other names: c.515C>T, p.Ser172Leu (NM_007309.4); short protein forms S172L.
Identifiers: ClinVar variation 2661020 (VCV002661020.24), dbSNP rs778550013, ClinGen allele CA10467916.